The following is an entry in ClinVar:

ClinVar aggregate classification (germline): Conflicting classifications of pathogenicity. Review status: criteria provided, conflicting classifications (1 of 4 stars). 8 submissions from 8 submitters: Uncertain significance (4); Likely benign (2). 2 of the submissions do not count toward it. Last evaluated 2026-01-24.

Conditions:
SLC12A6-related disorder. Also called: SLC12A6-related condition.
Agenesis of the corpus callosum with peripheral neuropathy (ACCPN). Also called: CHARLEVOIX DISEASE; POLYNEUROPATHY, SENSORIMOTOR, WITH OR WITHOUT AGENESIS OF THE CORPUS CALLOSUM; HMSN/ACC; Hereditary Motor and Sensory Neuropathy with Agenesis of the Corpus Callosum. Identifiers: Orphanet 1496, MedGen C0795950, MONDO:0000902, OMIM 218000. Disease mechanism: loss of function.

Allele frequency attached by ClinVar (database versions not stated): gnomAD 0.00016; 1000 Genomes Project 30x 0.00031; 1000 Genomes Project 0.00040.
gnomAD v4.1: 72 of 1,608,236 alleles (0.0045%); highest among the groups gnomAD compares: Middle Eastern, 0.23%; 3 homozygotes.

Submissions (8):

Labcorp Genetics (formerly Invitae), Labcorp
Classification: Likely benign. Last evaluated: 2026-01-24. Review status: criteria provided, single submitter. Criteria: Invitae Variant Classification Sherloc (09022015). Collection method: clinical testing. Allele origin: germline.

Mayo Clinic Laboratories, Mayo Clinic
Classification: Uncertain significance. Last evaluated: 2025-08-14. Review status: criteria provided, single submitter. Criteria: ACMG Guidelines, 2015. Collection method: clinical testing. Allele origin: germline. Observed: 2 variant alleles.

ARUP Laboratories, Molecular Genetics and Genomics, ARUP Laboratories
Classification: Uncertain significance. Last evaluated: 2025-01-08. Review status: criteria provided, single submitter. Criteria: ARUP Molecular Germline Variant Investigation Process 2024. Collection method: clinical testing. Allele origin: germline.
Comment: The SLC12A6 c.1139G>A; p.Arg380His variant (rs375887656), to our knowledge, is not reported in the medical literature but is reported in ClinVar (Variation ID: 702031). This variant is found primarily in the East Asian population with an allele frequency of 0.032% (6/18394 alleles) in the Genome Aggregation Database (v2.1.1). Computational analyses are uncertain whether this variant is neutral or deleterious (REVEL: 0.533). Due to limited information, the clinical significance of this variant is uncertain at this time.

Blueprint Genetics
Classification: Likely benign. Last evaluated: 2024-11-07. Review status: criteria provided, single submitter. Criteria: ACMG Guidelines, 2015. Collection method: clinical testing. Allele origin: germline.

GeneDx
Classification: Uncertain significance. Last evaluated: 2024-06-10. Review status: criteria provided, single submitter. Criteria: GeneDx Variant Classification Process June 2021. Collection method: clinical testing. Allele origin: germline. Affected: yes.
Comment: In silico analysis supports that this missense variant has a deleterious effect on protein structure/function; Has not been previously published as pathogenic or benign to our knowledge

Revvity Omics, Revvity
Classification: Uncertain significance. Last evaluated: 2022-06-21. Review status: criteria provided, single submitter. Criteria: ACMG Guidelines, 2015. Collection method: clinical testing. Allele origin: germline.

PreventionGenetics, part of Exact Sciences
Classification: Uncertain significance for SLC12A6-related condition. Last evaluated: 2024-01-21. Review status: no assertion criteria provided. Collection method: clinical testing. Allele origin: germline. Not counted in ClinVar's aggregate classification.
Comment: The SLC12A6 c.1139G>A variant is predicted to result in the amino acid substitution p.Arg380His. To our knowledge, this variant has not been reported in the literature. This variant is reported in 0.033% of alleles in individuals of East Asian descent in gnomAD. At this time, the clinical significance of this variant is uncertain due to the absence of conclusive functional and genetic evidence.

Natera, Inc.
Classification: Uncertain significance for Andermann syndrome. Last evaluated: 2020-02-13. Review status: no assertion criteria provided. Collection method: clinical testing. Allele origin: germline. Not counted in ClinVar's aggregate classification.

NM_001365088.1(SLC12A6):c.1139G>A (p.Arg380His)

Gene: SLC12A6 (solute carrier family 12 member 6; minus strand). Cytogenetic location: 15q14.
Variant type: single nucleotide variant.
Coding change: c.1139G>A on transcript NM_001365088.1 (MANE Select); coding-DNA position 1139, G replaced by A.
Protein change: p.Arg380His; replaces arginine 380 with histidine.
Molecular consequence: missense variant.
Genome position (GRCh38, 1-based): chr15:34,252,364, C>T on the plus strand (G>A on the coding strand, the complement: SLC12A6 is on the minus strand). VCF-style: chr15-34252364-C-T. GRCh37 (hg19) VCF-style: chr15-34544565-C-T.
Other names: p.Arg380His; c.962G>A, p.Arg321His (NM_001042494.2, NM_001042495.2); c.1112G>A, p.Arg371His (NM_001042496.2); c.1094G>A, p.Arg365His (NM_001042497.2); c.986G>A, p.Arg329His (NM_005135.2); c.1139G>A, p.Arg380His (NM_133647.2); short protein forms R329H, R371H, R365H, R380H, R321H.
Identifiers: ClinVar variation 702031 (VCV000702031.18), dbSNP rs375887656, ClinGen allele CA7464373.